The following is an entry in ClinVar:

ClinVar aggregate classification (germline): Conflicting classifications of pathogenicity. Review status: criteria provided, conflicting classifications (1 of 4 stars). 4 submissions from 4 submitters: Uncertain significance (1); Benign (1). 2 of the submissions do not count toward it. Last evaluated 2025-11-24.

Conditions:
PKHD1-related disorder. Also called: PKHD1-related condition.
Autosomal recessive polycystic kidney disease (ARPKD). Also called: AR polycystic kidney disease. Identifiers: Orphanet 731, Orphanet 8378, MedGen C0085548, MeSH D017044, MONDO:0009889.

Allele frequency attached by ClinVar (database versions not stated): gnomAD below 0.00001 and 0.00005; TOPMed 0.00002; gnomAD exomes 0.00014 and 0.00030; 1000 Genomes Project 30x 0.00031; ExAC 0.00038; 1000 Genomes Project 0.00040.
gnomAD v4.1: 209 of 1,613,848 alleles (0.013%); highest among the groups gnomAD compares: South Asian, 0.22%; 3 homozygotes.

Submissions (4):

Labcorp Genetics (formerly Invitae), Labcorp
Classification: Benign for Autosomal recessive polycystic kidney disease. Last evaluated: 2025-11-24. Review status: criteria provided, single submitter. Criteria: Invitae Variant Classification Sherloc (09022015). Collection method: clinical testing. Allele origin: germline.

Eurofins Ntd Llc (ga)
Classification: Uncertain significance. Last evaluated: 2018-06-21. Review status: criteria provided, single submitter. Criteria: EGL ClinVar v180209 classification definitions. Collection method: clinical testing. Allele origin: germline. Observed: 2 variant alleles, 2 heterozygotes.

PreventionGenetics, part of Exact Sciences
Classification: Likely benign for PKHD1-related condition. Last evaluated: 2024-05-05. Review status: no assertion criteria provided. Collection method: clinical testing. Allele origin: germline. Not counted in ClinVar's aggregate classification.
Comment: This variant is classified as likely benign based on ACMG/AMP sequence variant interpretation guidelines (Richards et al. 2015 PMID: 25741868, with internal and published modifications).

Natera, Inc.
Classification: Likely benign for Autosomal recessive polycystic kidney disease. Last evaluated: 2020-10-28. Review status: no assertion criteria provided. Collection method: clinical testing. Allele origin: germline. Not counted in ClinVar's aggregate classification.

NM_138694.4(PKHD1):c.10411G>A (p.Val3471Ile)

Gene: PKHD1 (PKHD1 ciliary IPT domain containing fibrocystin/polyductin; minus strand). Cytogenetic location: 6p12.3.
Variant type: single nucleotide variant.
Coding change: c.10411G>A on transcript NM_138694.4 (MANE Select); coding-DNA position 10411, G replaced by A.
Protein change: p.Val3471Ile; replaces valine 3471 with isoleucine.
Molecular consequence: missense variant.
Genome position (GRCh38, 1-based): chr6:51,659,715, C>T on the plus strand (G>A on the coding strand, the complement: PKHD1 is on the minus strand). VCF-style: chr6-51659715-C-T. GRCh37 (hg19) VCF-style: chr6-51524513-C-T.
Other names: short protein forms V3471I.
Identifiers: ClinVar variation 594466 (VCV000594466.21), dbSNP rs553752644, ClinGen allele CA3851083.
Genomic context (GRCh38, chr6:51,659,715, plus strand): 5'-TACTTTTGTTCCCCAATAGAAAAAAGCGCAAAACTTGAGGAGTTTGATCCATGAAGCAGA[C>T]TTTGGTGATTTGCCTGATGGGTAAGATAGAATAGAAAGTAGACACTGACCCAGAAGTAGA-3'
Protein context (NP_619639.3, residues 3461-3481): SILPIRQITK[Val3471Ile]CFMDQTPQVL